The following is an entry in ClinVar:

NM_006662.3(SRCAP):c.4033C>T (p.Arg1345Cys)

Gene: SRCAP (Snf2 related CREBBP activator protein; plus strand). Cytogenetic location: 16p11.2.
Variant type: single nucleotide variant.
Coding change: c.4033C>T on transcript NM_006662.3 (MANE Select); coding-DNA position 4033, C replaced by T.
Protein change: p.Arg1345Cys; replaces arginine 1345 with cysteine.
Molecular consequence: missense variant.
Genome position (GRCh38, 1-based): chr16:30,723,103, C>T. VCF-style: chr16-30723103-C-T. GRCh37 (hg19) VCF-style: chr16-30734424-C-T.
Other names: short protein forms R1345C.
Identifiers: ClinVar variation 3580136 (VCV003580136.2).
Genomic context (GRCh38, chr16:30,723,103, plus strand): 5'-CCTCCATTGGCCCCAGCACCCCGGCCTCCGAGCTCTGGGCTTCCAGCTGTGTTGAATCCA[C>T]GCCCCACGTTAACCCCTGGCCGGCTACCCACACCTACTCTGGGTACTGCTCGAGCCCCCA-3'
Protein context (NP_006653.2, residues 1335-1355): SSGLPAVLNP[Arg1345Cys]PTLTPGRLPT

ClinVar aggregate classification (germline): Uncertain significance. Review status: criteria provided, multiple submitters, no conflicts (2 of 4 stars). 2 submissions from 2 submitters: Uncertain significance (2). Last evaluated 2025-10-30.

Conditions:
Developmental delay, hypotonia, musculoskeletal defects, and behavioral abnormalities. Identifiers: MedGen C5562012, MONDO:0859202, OMIM 619595.
Floating-Harbor syndrome (FLHS). Also called: SRCAP-Related Floating-Harbor Syndrome; Short stature with delayed bone age, expressive language delay, a triangular face with a prominent nose and deep-set eyes; Pelletier-Leisti syndrome. Identifiers: Orphanet 2044, MedGen C0729582, MONDO:0007621, OMIM 136140.

gnomAD v4.1: 5 of 1,614,060 alleles (0.00031%); highest among the groups gnomAD compares: East Asian, 0.0022%; no homozygotes.

Submissions (2):

Women's Health and Genetics/Laboratory Corporation of America, LabCorp
Classification: Uncertain significance. Last evaluated: 2025-10-30. Review status: criteria provided, single submitter. Criteria: LabCorp Variant Classification Summary - May 2015. Collection method: clinical testing. Allele origin: germline.
Comment: Variant summary: SRCAP c.4033C>T (p.Arg1345Cys) results in a non-conservative amino acid change in the encoded protein sequence. Algorithms developed to predict the effect of missense changes on protein structure and function all suggest that this variant is likely to be disruptive. The variant allele was found at a frequency of 4e-06 in 251472 control chromosomes. The available data on variant occurrences in the general population are insufficient to allow any conclusion about variant significance. To our knowledge, no occurrence of c.4033C>T in individuals affected with SRCAP-related conditions and no experimental evidence demonstrating its impact on protein function have been reported. ClinVar contains an entry for this variant (Variation ID: 3580136). Based on the evidence outlined above, the variant was classified as uncertain significance.

Fulgent Genetics
Classification: Uncertain significance for Floating-Harbor syndrome; Developmental delay, hypotonia, musculoskeletal defects, and behavioral abnormalities. Last evaluated: 2024-03-27. Review status: criteria provided, single submitter. Criteria: ACMG Guidelines, 2015. Collection method: clinical testing. Allele origin: germline.